The following is an entry in ClinVar:

NM_172364.5(CACNA2D4):c.3219A>T (p.Glu1073Asp)

Gene: CACNA2D4 (calcium voltage-gated channel auxiliary subunit alpha2delta 4; minus strand). Cytogenetic location: 12p13.33.
Variant type: single nucleotide variant.
Coding change: c.3219A>T on transcript NM_172364.5 (MANE Select); coding-DNA position 3219, A replaced by T.
Protein change: p.Glu1073Asp; replaces glutamic acid 1073 with aspartic acid.
Molecular consequence: missense variant.
Genome position (GRCh38, 1-based): chr12:1,795,675, T>A on the plus strand (A>T on the coding strand, the complement: CACNA2D4 is on the minus strand). VCF-style: chr12-1795675-T-A. GRCh37 (hg19) VCF-style: chr12-1904841-T-A.
Other names: short protein forms E1073D.
Identifiers: ClinVar variation 2062289 (VCV002062289.4), dbSNP rs2497680660, ClinGen allele CA383348175.

ClinVar aggregate classification (germline): Uncertain significance (1 of 4 stars; one submission).

Submission:

Labcorp Genetics (formerly Invitae), Labcorp
Classification: Uncertain significance. Last evaluated: 2022-03-09. Review status: criteria provided, single submitter. Criteria: Invitae Variant Classification Sherloc (09022015). Collection method: clinical testing. Allele origin: germline.
Comment: This sequence change replaces glutamic acid, which is acidic and polar, with aspartic acid, which is acidic and polar, at codon 1073 of the CACNA2D4 protein (p.Glu1073Asp). This variant is not present in population databases (gnomAD no frequency). This variant has not been reported in the literature in individuals affected with CACNA2D4-related conditions. Algorithms developed to predict the effect of missense changes on protein structure and function are either unavailable or do not agree on the potential impact of this missense change (SIFT: "Tolerated"; PolyPhen-2: "Possibly Damaging"; Align-GVGD: "Class C0"). In summary, the available evidence is currently insufficient to determine the role of this variant in disease. Therefore, it has been classified as a Variant of Uncertain Significance.